The following is an entry in ClinVar:

NM_001164508.2(NEB):c.24077_24084del (p.Met8026fs)

Genes: NEB (nebulin; minus strand), RIF1 (replication timing regulatory factor 1; plus strand). Cytogenetic location: 2q23.3.
Variant type: Deletion.
Coding change: c.24077_24084del on transcript NM_001164508.2 (MANE Select); coding-DNA positions 24077 to 24084, 8 bases deleted (TGGAGAGA; older notation c.24077_24084delTGGAGAGA).
Protein change: p.Met8026fs; shifts the reading frame from methionine 8026.
Molecular consequence: frameshift variant. On other transcripts: intron variant (1).
Genome position (GRCh38, 1-based): chr2:151,499,328-151,499,335, TCTCTCCA deleted on the plus strand (TGGAGAGA on the coding strand, the reverse complement: NEB is on the minus strand); deleting any 8 consecutive bases within chr2:151,499,328-151,499,340 gives the same sequence; the c. name uses the placement nearest the transcript's 3' end. VCF-style (leftmost placement, unchanged base first): chr2-151499327-CTCTCTCCA-C. GRCh37 (hg19) VCF-style: chr2-152355841-CTCTCTCCA-C.
Other names: c.24077_24084del, p.Met8026fs (NM_001164507.2); c.24182_24189del, p.Met8061fs (NM_001271208.2); c.18826-2967_18826-2960del (NM_004543.5); short protein forms M8026fs, M8061fs.
Identifiers: ClinVar variation 1071818 (VCV001071818.7), dbSNP rs2153021199, ClinGen allele CA2499214997.

ClinVar aggregate classification (germline): Pathogenic (1 of 4 stars; one submission).

Conditions:
Nemaline myopathy 2 (NEM2). Also called: Nemaline myopathy 2, autosomal recessive. Identifiers: MedGen C1850569, MONDO:0009725, OMIM 256030.

Submission:

Labcorp Genetics (formerly Invitae), Labcorp
Classification: Pathogenic for Nemaline myopathy 2. Last evaluated: 2020-10-26. Review status: criteria provided, single submitter. Criteria: Invitae Variant Classification Sherloc (09022015). Collection method: clinical testing. Allele origin: germline.
Comment: This variant has not been reported in the literature in individuals with NEB-related conditions. This variant is not present in population databases (ExAC no frequency). This sequence change creates a premature translational stop signal (p.Met8061Serfs*9) in the NEB gene. It is expected to result in an absent or disrupted protein product. Loss-of-function variants in NEB are known to be pathogenic (PMID: 25205138). For these reasons, this variant has been classified as Pathogenic.

Literature cited by the submitters: PubMed 25205138.